The following is an entry in ClinVar:

ClinVar aggregate classification (germline): Pathogenic (1 of 4 stars; one submission).

Conditions:
Deficiency of alpha-mannosidase (MANSA). Also called: LYSOSOMAL ALPHA-D-MANNOSIDASE DEFICIENCY; Alpha-Mannosidosis; Mannosidosis, alpha-, types I and II. Identifiers: Orphanet 61, MedGen C0024748, MONDO:0009561, OMIM 248500.

Submission:

Myriad Genetics, Inc.
Classification: Pathogenic for Deficiency of alpha-mannosidase. Last evaluated: 2025-11-16. Review status: criteria provided, single submitter. Criteria: Myriad Autosomal Dominant, Autosomal Recessive and X-Linked Classification Criteria (2023). Collection method: clinical testing. Allele origin: unknown.
Comment: NM_000528.3(MAN2B1):c.1732_1744del13(Y578Rfs*24) is expected to be pathogenic in the context of alpha-mannosidosis. This variant is predicted to lead to an abnormal or absent protein product due to the creation of a premature termination codon in MAN2B1, a gene where loss-of-function variants are known to be pathogenic. Please note: this variant was assessed in the context of healthy population screening.

NM_000528.4(MAN2B1):c.1732_1744del (p.Tyr578fs)

Gene: MAN2B1 (mannosidase alpha class 2B member 1; minus strand). Cytogenetic location: 19p13.13.
Variant type: Deletion.
Coding change: c.1732_1744del on transcript NM_000528.4 (MANE Select); coding-DNA positions 1732 to 1744, 13 bases deleted (TATTCAGTAGCCC).
Protein change: p.Tyr578fs; shifts the reading frame from tyrosine 578.
Molecular consequence: frameshift variant.
Genome position (GRCh38, 1-based): chr19:12,655,780-12,655,792, GGGCTACTGAATA deleted on the plus strand (TATTCAGTAGCCC on the coding strand, the reverse complement: MAN2B1 is on the minus strand); deleting any 13 consecutive bases within chr19:12,655,780-12,655,794 gives the same sequence; the c. name uses the placement nearest the transcript's 3' end. VCF-style (leftmost placement, unchanged base first): chr19-12655779-TGGGCTACTGAATA-T. GRCh37 (hg19) VCF-style: chr19-12766593-TGGGCTACTGAATA-T.
Other names: c.1729_1741del, p.Tyr577fs (NM_001173498.2); c.1735_1747del, p.Tyr579fs (NM_001440570.1); short protein forms Y577fs, Y578fs, Y579fs.
Identifiers: ClinVar variation 5015226 (VCV005015226.1).